The following is an entry in ClinVar:

NM_031407.7(HUWE1):c.12177T>C (p.Gly4059=)

Gene: HUWE1 (HECT, UBA and WWE domain containing E3 ubiquitin protein ligase 1; minus strand). Cytogenetic location: Xp11.22.
Variant type: single nucleotide variant.
Coding change: c.12177T>C on transcript NM_031407.7 (MANE Select); coding-DNA position 12177, T replaced by C.
Protein change: p.Gly4059=; no amino-acid change (glycine 4059 retained).
Molecular consequence: synonymous variant.
Genome position (GRCh38, 1-based): chrX:53,536,628, A>G on the plus strand (T>C on the coding strand, the complement: HUWE1 is on the minus strand). VCF-style: chrX-53536628-A-G. GRCh37 (hg19) VCF-style: chrX-53563589-A-G.
Identifiers: ClinVar variation 96203 (VCV000096203.27), dbSNP rs426298, ClinGen allele CA149356.

ClinVar aggregate classification (germline): Benign. Review status: criteria provided, multiple submitters, no conflicts (2 of 4 stars). 8 submissions from 8 submitters: Benign (7). 1 of the submissions does not count toward it. Last evaluated 2026-02-03.

Conditions:
Inborn genetic diseases. Identifiers: MedGen C0950123, MeSH D030342.
Intellectual developmental disorder, X-linked, syndromic, Turner type. Also called: Intellectual disability, X-linked syndromic, Turner type; X-linked intellectual disability, Turner type. Identifiers: Orphanet 3056, Orphanet 85328, MedGen C2678046, MONDO:0010407, OMIM 309590.

Allele frequency attached by ClinVar (database versions not stated): ESP Exome Variant Server 0.99195; TOPMed 0.99211; gnomAD 0.99420; 1000 Genomes Project 30x 0.99459; 1000 Genomes Project 0.99497; ExAC 0.99734; gnomAD exomes 0.99791.

Submissions (8):

Labcorp Genetics (formerly Invitae), Labcorp
Classification: Benign. Last evaluated: 2026-02-03. Review status: criteria provided, single submitter. Criteria: Invitae Variant Classification Sherloc (09022015). Collection method: clinical testing. Allele origin: germline.

Blueprint Genetics
Classification: Benign. Last evaluated: 2024-11-28. Review status: criteria provided, single submitter. Criteria: ACMG Guidelines, 2015. Collection method: clinical testing. Allele origin: germline.

Genome-Nilou Lab
Classification: Benign for Intellectual developmental disorder, X-linked, syndromic, Turner type. Last evaluated: 2021-08-10. Review status: criteria provided, single submitter. Criteria: ACMG Guidelines, 2015. Collection method: clinical testing. Allele origin: germline. Affected: no.

GeneDx
Classification: Benign. Last evaluated: 2018-07-05. Review status: criteria provided, single submitter. Criteria: GeneDx Variant Classification Process June 2021. Collection method: clinical testing. Allele origin: germline. Affected: yes.

Ambry Genetics
Classification: Benign for Inborn genetic diseases. Last evaluated: 2015-06-22. Review status: criteria provided, single submitter. Criteria: Ambry Variant Classification Scheme 2023. Collection method: clinical testing. Allele origin: germline.

Eurofins Ntd Llc (ga)
Classification: Benign. Last evaluated: 2013-08-12. Review status: criteria provided, single submitter. Criteria: EGL Classification Definitions 2015. Collection method: clinical testing. Allele origin: germline. Observed: 22 variant alleles, 2 homozygotes, 20 hemizygotes.

Breakthrough Genomics
Classification: Benign. Review status: criteria provided, single submitter. Criteria: ACMG Guidelines, 2015. Collection method: not provided. Allele origin: germline. Inheritance: X-linked inheritance. Affected: yes.

Genetic Services Laboratory, University of Chicago
Classification: Likely benign for AllHighlyPenetrant. Review status: no assertion criteria provided. Collection method: clinical testing. Allele origin: germline. Inheritance: X-linked inheritance. Not counted in ClinVar's aggregate classification.
Comment: Likely benign based on allele frequency in 1000 Genomes Project or ESP global frequency and its presence in a patient with a rare or unrelated disease phenotype. NOT Sanger confirmed.